The following is an entry in ClinVar:

ClinVar aggregate classification (germline): Uncertain significance. Review status: criteria provided, multiple submitters, no conflicts (2 of 4 stars). 2 submissions from 2 submitters: Uncertain significance (2). Last evaluated 2026-01-18.

Conditions:
Inborn genetic diseases. Identifiers: MedGen C0950123, MeSH D030342.

Allele frequency attached by ClinVar (database versions not stated): TOPMed below 0.00001; ExAC 0.00002.
gnomAD v4.1: 13 of 1,614,146 alleles (0.00081%); highest among the groups gnomAD compares: Admixed American, 0.0017%; no homozygotes.

Submissions (2):

Labcorp Genetics (formerly Invitae), Labcorp
Classification: Uncertain significance. Last evaluated: 2026-01-18. Review status: criteria provided, single submitter. Criteria: Invitae Variant Classification Sherloc (09022015). Collection method: clinical testing. Allele origin: germline.
Comment: This sequence change replaces arginine, which is basic and polar, with histidine, which is basic and polar, at codon 741 of the SRCAP protein (p.Arg741His). This variant is present in population databases (rs754805776, gnomAD 0.004%). This variant has not been reported in the literature in individuals affected with SRCAP-related conditions. ClinVar contains an entry for this variant (Variation ID: 2898839). Invitae Evidence Modeling of protein sequence and biophysical properties (such as structural, functional, and spatial information, amino acid conservation, physicochemical variation, residue mobility, and thermodynamic stability) indicates that this missense variant is not expected to disrupt SRCAP protein function with a negative predictive value of 80%. In summary, the available evidence is currently insufficient to determine the role of this variant in disease. Therefore, it has been classified as a Variant of Uncertain Significance.

Ambry Genetics
Classification: Uncertain significance for Inborn genetic diseases. Last evaluated: 2024-07-27. Review status: criteria provided, single submitter. Criteria: Ambry Variant Classification Scheme 2023. Collection method: clinical testing. Allele origin: germline.

NM_006662.3(SRCAP):c.2222G>A (p.Arg741His)

Gene: SRCAP (Snf2 related CREBBP activator protein; plus strand). Cytogenetic location: 16p11.2.
Variant type: single nucleotide variant.
Coding change: c.2222G>A on transcript NM_006662.3 (MANE Select); coding-DNA position 2222, G replaced by A.
Protein change: p.Arg741His; replaces arginine 741 with histidine.
Molecular consequence: missense variant.
Genome position (GRCh38, 1-based): chr16:30,713,299, G>A. VCF-style: chr16-30713299-G-A. GRCh37 (hg19) VCF-style: chr16-30724620-G-A.
Other names: c.2222G>A (NM_006662.2); short protein forms R741H.
Identifiers: ClinVar variation 2898839 (VCV002898839.4), dbSNP rs754805776, ClinGen allele CA8011161.